The following is an entry in ClinVar:

ClinVar aggregate classification (germline): Conflicting classifications of pathogenicity. Review status: criteria provided, conflicting classifications (1 of 4 stars). 2 submissions from 2 submitters: Uncertain significance (1); Likely benign (1). Last evaluated 2025-12-01.

Conditions:
Inborn genetic diseases. Identifiers: MedGen C0950123, MeSH D030342.

Allele frequency attached by ClinVar (database versions not stated): gnomAD exomes below 0.00001.
gnomAD v4.1: 3 of 1,605,300 alleles (0.00019%); highest among the groups gnomAD compares: Admixed American, 0.0034%; no homozygotes.

Submissions (2):

Labcorp Genetics (formerly Invitae), Labcorp
Classification: Uncertain significance. Last evaluated: 2025-12-01. Review status: criteria provided, single submitter. Criteria: Invitae Variant Classification Sherloc (09022015). Collection method: clinical testing. Allele origin: germline.
Comment: This sequence change replaces proline, which is neutral and non-polar, with threonine, which is neutral and polar, at codon 647 of the ASXL1 protein (p.Pro647Thr). This variant is present in population databases (no rsID available, gnomAD 0.006%). This variant has not been reported in the literature in individuals affected with ASXL1-related conditions. ClinVar contains an entry for this variant (Variation ID: 2973481). An algorithm developed to predict the effect of missense changes on protein structure and function (PolyPhen-2) suggests that this variant is likely to be disruptive. In summary, the available evidence is currently insufficient to determine the role of this variant in disease. Therefore, it has been classified as a Variant of Uncertain Significance.

Ambry Genetics
Classification: Likely benign for Inborn genetic diseases. Last evaluated: 2025-10-08. Review status: criteria provided, single submitter. Criteria: Ambry Variant Classification Scheme 2023. Collection method: clinical testing. Allele origin: germline.

NM_015338.6(ASXL1):c.1939C>A (p.Pro647Thr)

Gene: ASXL1 (ASXL transcriptional regulator 1; plus strand). Cytogenetic location: 20q11.21.
Variant type: single nucleotide variant.
Coding change: c.1939C>A on transcript NM_015338.6 (MANE Select); coding-DNA position 1939, C replaced by A.
Protein change: p.Pro647Thr; replaces proline 647 with threonine.
Molecular consequence: missense variant.
Genome position (GRCh38, 1-based): chr20:32,434,651, C>A. VCF-style: chr20-32434651-C-A. GRCh37 (hg19) VCF-style: chr20-31022454-C-A.
Other names: c.1756C>A, p.Pro586Thr (NM_001363734.1); short protein forms P647T, P586T.
Identifiers: ClinVar variation 2973481 (VCV002973481.4), dbSNP rs1228100817, ClinGen allele CA408558223.